The following is an entry in ClinVar:

NM_003073.5(SMARCB1):c.500+111C>A

Gene: SMARCB1 (SWI/SNF related BAF chromatin remodeling complex subunit B1; plus strand). Cytogenetic location: 22q11.23.
Variant type: single nucleotide variant.
Coding change: c.500+111C>A on transcript NM_003073.5 (MANE Select); 111 bases into the intron after coding-DNA position 500, C replaced by A.
Molecular consequence: intron variant.
Genome position (GRCh38, 1-based): chr22:23,801,192, C>A. VCF-style: chr22-23801192-C-A. GRCh37 (hg19) VCF-style: chr22-24143379-C-A.
Other names: c.554+57C>A (NM_001362877.2); c.527+57C>A (NM_001317946.2); c.473+111C>A (NM_001007468.3).
Identifiers: ClinVar variation 133389 (VCV000133389.25), dbSNP rs35070121, ClinGen allele CA156481.

ClinVar aggregate classification (germline): Likely benign. Review status: criteria provided, single submitter (1 of 4 stars). 2 submissions from 2 submitters: Likely benign (1). 1 of the submissions does not count toward it. Last evaluated 2022-11-01.

Allele frequency attached by ClinVar (database versions not stated): gnomAD 0.00025 and 0.00036; TOPMed 0.00030; gnomAD exomes 0.00056 and 0.00095; 1000 Genomes Project 30x 0.00094; 1000 Genomes Project 0.00120; ExAC 0.00165.
gnomAD v4.1: 787 of 1,443,794 alleles (0.055%); highest among the groups gnomAD compares: South Asian, 0.45%; 8 homozygotes.

Submissions (2):

CeGaT Center for Human Genetics Tuebingen
Classification: Likely benign. Last evaluated: 2022-11-01. Review status: criteria provided, single submitter. Criteria: CeGaT Center For Human Genetics Tuebingen Variant Classification Criteria Version 2. Collection method: clinical testing. Allele origin: germline. Affected: yes. Observed: 3 variant alleles.
Comment: SMARCB1: BS1

ITMI
No classification provided. Condition: AllHighlyPenetrant. Last evaluated: 2013-09-19. Review status: no classification provided. Collection method: reference population. Allele origin: germline. Not counted in ClinVar's aggregate classification.
Comment: Please see associated publication for description of ethnicities

Literature cited by the submitters: PubMed 24728327 (cited by ITMI).